The following is an entry in ClinVar:

ClinVar aggregate classification (germline): Uncertain significance (1 of 4 stars; one submission).

gnomAD v4.1: 6 of 1,614,182 alleles (0.00037%); highest among the groups gnomAD compares: Non-Finnish European, 0.00051%; no homozygotes.

Submission:

Labcorp Genetics (formerly Invitae), Labcorp
Classification: Uncertain significance. Last evaluated: 2024-02-04. Review status: criteria provided, single submitter. Criteria: Invitae Variant Classification Sherloc (09022015). Collection method: clinical testing. Allele origin: germline.
Comment: This sequence change replaces glutamic acid, which is acidic and polar, with glycine, which is neutral and non-polar, at codon 1063 of the ADAMTS17 protein (p.Glu1063Gly). This variant is not present in population databases (gnomAD no frequency). This variant has not been reported in the literature in individuals affected with ADAMTS17-related conditions. An algorithm developed to predict the effect of missense changes on protein structure and function (PolyPhen-2) suggests that this variant is likely to be tolerated. In summary, the available evidence is currently insufficient to determine the role of this variant in disease. Therefore, it has been classified as a Variant of Uncertain Significance.

NM_139057.4(ADAMTS17):c.3188A>G (p.Glu1063Gly)

Gene: ADAMTS17 (ADAM metallopeptidase with thrombospondin type 1 motif 17; minus strand). Cytogenetic location: 15q26.3.
Variant type: single nucleotide variant.
Coding change: c.3188A>G on transcript NM_139057.4 (MANE Select); coding-DNA position 3188, A replaced by G.
Protein change: p.Glu1063Gly; replaces glutamic acid 1063 with glycine.
Molecular consequence: missense variant.
Genome position (GRCh38, 1-based): chr15:99,974,502, T>C on the plus strand (A>G on the coding strand, the complement: ADAMTS17 is on the minus strand). VCF-style: chr15-99974502-T-C. GRCh37 (hg19) VCF-style: chr15-100514707-T-C.
Other names: short protein forms E1063G.
Identifiers: ClinVar variation 3638748 (VCV003638748.2).